The following is an entry in ClinVar:

NM_022455.5(NSD1):c.6632A>G (p.Asn2211Ser)

Gene: NSD1 (nuclear receptor binding SET domain protein 1; plus strand). Cytogenetic location: 5q35.3.
Variant type: single nucleotide variant.
Coding change: c.6632A>G on transcript NM_022455.5 (MANE Select); coding-DNA position 6632, A replaced by G.
Protein change: p.Asn2211Ser; replaces asparagine 2211 with serine.
Molecular consequence: missense variant.
Genome position (GRCh38, 1-based): chr5:177,294,000, A>G. VCF-style: chr5-177294000-A-G. GRCh37 (hg19) VCF-style: chr5-176721001-A-G.
Other names: c.5759A>G, p.Asn1920Ser (NM_001365684.2, NM_001409308.1, NM_172349.5); c.6632A>G, p.Asn2211Ser (NM_001409301.1, NM_001409302.1, NM_001409303.1); c.6212A>G, p.Asn2071Ser (NM_001409304.1); c.5879A>G, p.Asn1960Ser (NM_001409305.1); c.5870A>G, p.Asn1957Ser (NM_001409306.1, NM_001409307.1); c.5510A>G, p.Asn1837Ser (NM_001409309.1); short protein forms N1942S, N2211S, N2071S, N1957S, N1837S, N1960S, N1920S.
Identifiers: ClinVar variation 1327097 (VCV001327097.3), dbSNP rs2127279586, ClinGen allele CA362324486.

ClinVar aggregate classification (germline): Uncertain significance. Review status: criteria provided, multiple submitters, no conflicts (2 of 4 stars). 2 submissions from 2 submitters: Uncertain significance (2). Last evaluated 2022-05-03.

Conditions:
Sotos syndrome (SOTOS). Also called: CHROMOSOME 5q35 DELETION SYNDROME; SOTOS SYNDROME 1; Distinctive facial appearance, overgrowth in childhood, and learning disabilities or delayed development; CEREBRAL GIGANTISM; Sotos' syndrome. Identifiers: Orphanet 821, MedGen C0175695, MONDO:0019349, OMIM 117550.

gnomAD v4.1: 4 of 1,614,020 alleles (0.00025%); highest among the groups gnomAD compares: East Asian, 0.0022%; no homozygotes.

Submissions (2):

Fulgent Genetics
Classification: Uncertain significance for Sotos syndrome. Last evaluated: 2022-05-03. Review status: criteria provided, single submitter. Criteria: ACMG Guidelines, 2015. Collection method: clinical testing. Allele origin: unknown.

Baylor Genetics
Classification: Uncertain significance for Sotos syndrome. Last evaluated: 2021-01-31. Review status: criteria provided, single submitter. Criteria: ACMG Guidelines, 2015. Collection method: clinical testing. Allele origin: unknown. Affected: yes. Study: CSER-TexasKidsCanSeq.
Comment: This variant was determined to be of uncertain significance according to ACMG Guidelines, 2015 [PMID:25741868].